The following is an entry in ClinVar:

NM_016239.4(MYO15A):c.5632C>T (p.Arg1878Cys)

Gene: MYO15A (myosin XVA; plus strand). Cytogenetic location: 17p11.2.
Variant type: single nucleotide variant.
Coding change: c.5632C>T on transcript NM_016239.4 (MANE Select); coding-DNA position 5632, C replaced by T.
Protein change: p.Arg1878Cys; replaces arginine 1878 with cysteine.
Molecular consequence: missense variant.
Genome position (GRCh38, 1-based): chr17:18,141,753, C>T. VCF-style: chr17-18141753-C-T. GRCh37 (hg19) VCF-style: chr17-18045067-C-T.
Other names: short protein forms R1878C.
Identifiers: ClinVar variation 3371972 (VCV003371972.2).
Genomic context (GRCh38, chr17:18,141,753, plus strand): 5'-AATGGGGACATGTGTGTGTCAGTGCTGAGTCGCCTGTGCAAAGTCATGCCAAACATGTAC[C>T]GTGTTGGGGTCAGCAAGGTGAGTCCTGCCCGACAGTCAGCCCTTGGAGACCCCAAGTTTG-3'
Protein context (NP_057323.3, residues 1868-1888): RLCKVMPNMY[Arg1878Cys]VGVSKLFLKE

ClinVar aggregate classification (germline): Uncertain significance. Review status: criteria provided, multiple submitters, no conflicts (2 of 4 stars). 2 submissions from 2 submitters: Uncertain significance (2). Last evaluated 2025-07-12.

Conditions:
Inborn genetic diseases. Identifiers: MedGen C0950123, MeSH D030342.

gnomAD v4.1: 9 of 1,613,978 alleles (0.00056%); highest among the groups gnomAD compares: East Asian, 0.0022%; no homozygotes.

Submissions (2):

Ambry Genetics
Classification: Uncertain significance for Inborn genetic diseases. Last evaluated: 2025-07-12. Review status: criteria provided, single submitter. Criteria: Ambry Variant Classification Scheme 2023. Collection method: clinical testing. Allele origin: germline.

GeneDx
Classification: Uncertain significance. Last evaluated: 2024-04-04. Review status: criteria provided, single submitter. Criteria: GeneDx Variant Classification Process June 2021. Collection method: clinical testing. Allele origin: germline. Affected: yes.
Comment: Not observed at significant frequency in large population cohorts (gnomAD); In silico analysis supports that this missense variant has a deleterious effect on protein structure/function; Has not been previously published as pathogenic or benign to our knowledge